The following is an entry in ClinVar:

ClinVar aggregate classification (germline): Likely benign (1 of 4 stars; one submission).

Allele frequency attached by ClinVar (database versions not stated): 1000 Genomes Project 30x 0.00078; gnomAD 0.00078; 1000 Genomes Project 0.00080; TOPMed 0.00088; gnomAD exomes 0.00092; ESP Exome Variant Server 0.00108; ExAC 0.00111.
gnomAD v4.1: 1,478 of 1,613,354 alleles (0.092%); highest among the groups gnomAD compares: Admixed American, 0.16%; 3 homozygotes.

Submission:

CeGaT Center for Human Genetics Tuebingen
Classification: Likely benign. Last evaluated: 2024-03-01. Review status: criteria provided, single submitter. Criteria: CeGaT Center For Human Genetics Tuebingen Variant Classification Criteria Version 2. Collection method: clinical testing. Allele origin: germline. Affected: yes. Observed: 1 variant allele.
Comment: CSPG4: BP4

NM_001897.5(CSPG4):c.2702T>G (p.Val901Gly)

Gene: CSPG4 (chondroitin sulfate proteoglycan 4; minus strand). Cytogenetic location: 15q24.2.
Variant type: single nucleotide variant.
Coding change: c.2702T>G on transcript NM_001897.5 (MANE Select); coding-DNA position 2702, T replaced by G.
Protein change: p.Val901Gly; replaces valine 901 with glycine.
Molecular consequence: missense variant.
Genome position (GRCh38, 1-based): chr15:75,688,363, A>C on the plus strand (T>G on the coding strand, the complement: CSPG4 is on the minus strand). VCF-style: chr15-75688363-A-C. GRCh37 (hg19) VCF-style: chr15-75980704-A-C.
Other names: short protein forms V901G.
Identifiers: ClinVar variation 3025049 (VCV003025049.22), dbSNP rs141657014, ClinGen allele CA7670311.